The following is an entry in ClinVar:

ClinVar aggregate classification (germline): Uncertain significance. Review status: criteria provided, multiple submitters, no conflicts (2 of 4 stars). 2 submissions from 2 submitters: Uncertain significance (2). Last evaluated 2024-07-14.

Conditions:
Inborn genetic diseases. Identifiers: MedGen C0950123, MeSH D030342.

Allele frequency attached by ClinVar (database versions not stated): ExAC 0.00002; 1000 Genomes Project 30x 0.00016; 1000 Genomes Project 0.00020.
gnomAD v4.1: 29 of 1,611,242 alleles (0.0018%); highest among the groups gnomAD compares: South Asian, 0.023%; no homozygotes.

Submissions (2):

Ambry Genetics
Classification: Uncertain significance for Inborn genetic diseases. Last evaluated: 2024-07-14. Review status: criteria provided, single submitter. Criteria: Ambry Variant Classification Scheme 2023. Collection method: clinical testing. Allele origin: germline.

GeneDx
Classification: Uncertain significance. Last evaluated: 2023-02-26. Review status: criteria provided, single submitter. Criteria: GeneDx Variant Classification Process June 2021. Collection method: clinical testing. Allele origin: germline. Affected: yes.
Comment: In silico analysis supports that this missense variant has a deleterious effect on protein structure/function; Has not been previously published as pathogenic or benign to our knowledge

NM_001170535.3(ATAD3A):c.817C>T (p.Arg273Cys)

Gene: ATAD3A (ATPase family AAA domain containing 3A; plus strand). Cytogenetic location: 1p36.33.
Variant type: single nucleotide variant.
Coding change: c.817C>T on transcript NM_001170535.3 (MANE Select); coding-DNA position 817, C replaced by T.
Protein change: p.Arg273Cys; replaces arginine 273 with cysteine.
Molecular consequence: missense variant.
Genome position (GRCh38, 1-based): chr1:1,522,810, C>T. VCF-style: chr1-1522810-C-T. GRCh37 (hg19) VCF-style: chr1-1458190-C-T.
Other names: c.580C>T, p.Arg194Cys (NM_001170536.3); c.961C>T, p.Arg321Cys (NM_018188.5); c.961C>T (NM_018188.3); short protein forms R194C, R273C, R321C.
Identifiers: ClinVar variation 2577564 (VCV002577564.2), dbSNP rs574343682, ClinGen allele CA525998.